The following is an entry in ClinVar:

NM_033026.6(PCLO):c.7871C>T (p.Pro2624Leu)

Gene: PCLO (piccolo presynaptic cytomatrix protein; minus strand). Cytogenetic location: 7q21.11.
Variant type: single nucleotide variant.
Coding change: c.7871C>T on transcript NM_033026.6 (MANE Select); coding-DNA position 7871, C replaced by T.
Protein change: p.Pro2624Leu; replaces proline 2624 with leucine.
Molecular consequence: missense variant.
Genome position (GRCh38, 1-based): chr7:82,953,082, G>A on the plus strand (C>T on the coding strand, the complement: PCLO is on the minus strand). VCF-style: chr7-82953082-G-A. GRCh37 (hg19) VCF-style: chr7-82582398-G-A.
Other names: c.7871C>T, p.Pro2624Leu (NM_014510.3); short protein forms P2624L.
Identifiers: ClinVar variation 2116219 (VCV002116219.4), dbSNP rs2535692683, ClinGen allele CA367915509.
Genomic context (GRCh38, chr7:82,953,082, plus strand): 5'-GCTCCAGAGATGTAGAAGGTCTGTTCTGAAGAAATTGGAATTTCTACAGCTGTCACAGGA[G>A]GAACTACAGAAAACACAGGTTCAACAGAAACCAGATCTTTGGAGGGTGATCCCAAGGGCC-3'
Protein context (NP_149015.2, residues 2614-2634): VSVEPVFSVV[Pro2624Leu]PVTAVEIPIS

ClinVar aggregate classification (germline): Uncertain significance (1 of 4 stars; one submission).

Allele frequency attached by ClinVar (database versions not stated): gnomAD exomes below 0.00001.
gnomAD v4.1: 2 of 1,613,942 alleles (0.00012%); highest among the groups gnomAD compares: South Asian, 0.0011%; no homozygotes.

Submission:

Labcorp Genetics (formerly Invitae), Labcorp
Classification: Uncertain significance. Last evaluated: 2022-03-23. Review status: criteria provided, single submitter. Criteria: Invitae Variant Classification Sherloc (09022015). Collection method: clinical testing. Allele origin: germline.
Comment: This sequence change replaces proline, which is neutral and non-polar, with leucine, which is neutral and non-polar, at codon 2624 of the PCLO protein (p.Pro2624Leu). This variant is not present in population databases (gnomAD no frequency). This variant has not been reported in the literature in individuals affected with PCLO-related conditions. Algorithms developed to predict the effect of missense changes on protein structure and function output the following: SIFT: "Tolerated"; PolyPhen-2: "Not Available"; Align-GVGD: "Class C0". The leucine amino acid residue is found in multiple mammalian species, which suggests that this missense change does not adversely affect protein function. In summary, the available evidence is currently insufficient to determine the role of this variant in disease. Therefore, it has been classified as a Variant of Uncertain Significance.